The following is an entry in ClinVar:

ClinVar aggregate classification (germline): Conflicting classifications of pathogenicity. Review status: criteria provided, conflicting classifications (1 of 4 stars). 2 submissions from 2 submitters: Uncertain significance (1); Likely benign (1). Last evaluated 2024-02-17.

Conditions:
Hereditary cancer-predisposing syndrome. Also called: Tumor predisposition; Neoplastic Syndromes, Hereditary; Hereditary Cancer Syndrome; Hereditary neoplastic syndrome. Identifiers: Orphanet 140162, MedGen C0027672, MeSH D009386, MONDO:0015356.
Familial adenomatous polyposis 2. Also called: MYH-associated polyposis; Adenomas, multiple colorectal; COLORECTAL ADENOMATOUS POLYPOSIS, AUTOSOMAL RECESSIVE; ADENOMAS, MULTIPLE COLORECTAL, AUTOSOMAL RECESSIVE; MUTYH Polyposis; FAP type 2. Identifiers: Orphanet 220460, Orphanet 247798, MedGen C3272841, MONDO:0012041, OMIM 608456.

Allele frequency attached by ClinVar (database versions not stated): gnomAD 0.00001.
gnomAD v4.1: 1 of 1,614,230 alleles (0.000062%); highest among the groups gnomAD compares: South Asian, 0.0011%; no homozygotes.

Submissions (2):

Labcorp Genetics (formerly Invitae), Labcorp
Classification: Uncertain significance for Familial adenomatous polyposis 2. Last evaluated: 2024-02-17. Review status: criteria provided, single submitter. Criteria: Invitae Variant Classification Sherloc (09022015). Collection method: clinical testing. Allele origin: germline.
Comment: This sequence change replaces glycine, which is neutral and non-polar, with arginine, which is basic and polar, at codon 98 of the MUTYH protein (p.Gly98Arg). This variant is not present in population databases (gnomAD no frequency). This variant has not been reported in the literature in individuals affected with MUTYH-related conditions. ClinVar contains an entry for this variant (Variation ID: 1917859). Algorithms developed to predict the effect of missense changes on protein structure and function output the following: SIFT: "Not Available"; PolyPhen-2: "Benign"; Align-GVGD: "Not Available". The arginine amino acid residue is found in multiple mammalian species, which suggests that this missense change does not adversely affect protein function. In summary, the available evidence is currently insufficient to determine the role of this variant in disease. Therefore, it has been classified as a Variant of Uncertain Significance.

Ambry Genetics
Classification: Likely benign for Hereditary cancer-predisposing syndrome. Last evaluated: 2023-01-06. Review status: criteria provided, single submitter. Criteria: Ambry Variant Classification Scheme 2023. Collection method: clinical testing. Allele origin: germline.

NM_001048174.2(MUTYH):c.208G>A (p.Gly70Arg)

Gene: MUTYH (mutY DNA glycosylase; minus strand). Cytogenetic location: 1p34.1.
Variant type: single nucleotide variant.
Coding change: c.208G>A on transcript NM_001048174.2 (MANE Select); coding-DNA position 208, G replaced by A.
Protein change: p.Gly70Arg; replaces glycine 70 with arginine.
Molecular consequence: missense variant. On other transcripts: 5 prime UTR variant (4), non-coding transcript variant (2).
Genome position (GRCh38, 1-based): chr1:45,333,469, C>T on the plus strand (G>A on the coding strand, the complement: MUTYH is on the minus strand). VCF-style: chr1-45333469-C-T. GRCh37 (hg19) VCF-style: chr1-45799141-C-T.
Other names: c.208G>A, p.Gly70Arg (NM_001048171.2, NM_001048173.2, NM_001293195.2 and 6 more transcripts); c.211G>A, p.Gly71Arg (NM_001048172.2, NM_001407071.1, NM_001407078.1 and 2 more transcripts); c.292G>A, p.Gly98Arg (NM_001128425.2); c.253G>A, p.Gly85Arg (NM_001293190.2); c.241G>A, p.Gly81Arg (NM_001293191.2, NM_001407077.1); c.-69G>A (NM_001293192.2, NM_001293196.2, NM_001407091.1); c.-64G>A (NM_001350650.2, NM_001350651.2, NM_001407082.1); c.283G>A, p.Gly95Arg (NM_001407069.1, NM_012222.3); and 3 more; short protein forms G77R, G84R, G85R, G70R, G71R, G98R, G42R, G81R.
Identifiers: ClinVar variation 1917859 (VCV001917859.6), dbSNP rs1570443086, ClinGen allele CA340136441.